The following is an entry in ClinVar:

ClinVar aggregate classification (germline): Uncertain significance. Review status: criteria provided, multiple submitters, no conflicts (2 of 4 stars). 3 submissions from 3 submitters: Uncertain significance (3). Last evaluated 2025-12-09.

Conditions:
RYR1-related disorder. Also called: RYR1-related condition; RYR1-related disorders. Identifiers: MedGen CN239331.
King Denborough syndrome (KDS). Identifiers: MedGen C1840365, MONDO:0020485, OMIM 619542.
Malignant hyperthermia, susceptibility to, 1 (MHS1). Also called: Anesthesia related hyperthermia; Malignant hyperpyrexia; Fulminating hyperpyrexia; Pharmacogenic myopathy; Malignant hyperthermia suceptibility 1; RYR1-Related Malignant Hyperthermia Susceptibility. Identifiers: Orphanet 423, MedGen C2930980, MONDO:0007783, OMIM 145600.
Congenital multicore myopathy with external ophthalmoplegia (CMYO1B). Also called: Minicore myopathy with external ophthalmoplegia; Congenital myopathy 1B, autosomal recessive; Minicore myopathy; MULTICORE MYOPATHY; MULTIMINICORE DISEASE WITH EXTERNAL OPHTHALMOPLEGIA. Identifiers: Orphanet 598, Orphanet 98905, MedGen C1850674, MONDO:0009712, OMIM 255320, HP:0003789.
Congenital myopathy with fiber type disproportion. Also called: Congenital fiber-type disproportion myopathy; Congenital fiber-type disproportion. Identifiers: Orphanet 2020, MedGen C0546264, MONDO:0009711. Inheritance: all.
Central core myopathy (CMYO1A). Also called: CONGENITAL MYOPATHY 1A, AUTOSOMAL DOMINANT, WITH SUSCEPTIBILITY TO MALIGNANT HYPERTHERMIA; Central core disease; Myopathy, central fibrillar. Identifiers: Orphanet 597, MedGen C5830701, MONDO:0007294, OMIM 117000.
Inborn genetic diseases. Identifiers: MedGen C0950123, MeSH D030342.

Allele frequency attached by ClinVar (database versions not stated): gnomAD exomes below 0.00001; gnomAD 0.00001; TOPMed 0.00001; 1000 Genomes Project 30x 0.00016.
gnomAD v4.1: 4 of 1,375,826 alleles (0.00029%); highest among the groups gnomAD compares: East Asian, 0.0094%; no homozygotes.

Submissions (3):

Labcorp Genetics (formerly Invitae), Labcorp
Classification: Uncertain significance for RYR1-related disorder. Last evaluated: 2025-12-09. Review status: criteria provided, single submitter. Criteria: Invitae Variant Classification Sherloc (09022015). Collection method: clinical testing. Allele origin: germline.
Comment: This sequence change replaces alanine, which is neutral and non-polar, with threonine, which is neutral and polar, at codon 4354 of the RYR1 protein (p.Ala4354Thr). This variant is not present in population databases (gnomAD no frequency). This variant has not been reported in the literature in individuals affected with RYR1-related conditions. ClinVar contains an entry for this variant (Variation ID: 971939). Invitae Evidence Modeling of protein sequence and biophysical properties (such as structural, functional, and spatial information, amino acid conservation, physicochemical variation, residue mobility, and thermodynamic stability) indicates that this missense variant is not expected to disrupt RYR1 protein function with a negative predictive value of 80%. In summary, the available evidence is currently insufficient to determine the role of this variant in disease. Therefore, it has been classified as a Variant of Uncertain Significance.

Ambry Genetics
Classification: Uncertain significance for Inborn genetic diseases. Last evaluated: 2025-04-18. Review status: criteria provided, single submitter. Criteria: Ambry Variant Classification Scheme 2023. Collection method: clinical testing. Allele origin: germline.

Fulgent Genetics
Classification: Uncertain significance for Central core myopathy; Malignant hyperthermia, susceptibility to, 1; Congenital myopathy 4A, autosomal dominant; Congenital multicore myopathy with external ophthalmoplegia; King Denborough syndrome. Last evaluated: 2022-03-31. Review status: criteria provided, single submitter. Criteria: ACMG Guidelines, 2015. Collection method: clinical testing. Allele origin: unknown.

NM_000540.3(RYR1):c.13060G>A (p.Ala4354Thr)

Gene: RYR1 (ryanodine receptor 1; plus strand). Cytogenetic location: 19q13.2.
Variant type: single nucleotide variant.
Coding change: c.13060G>A on transcript NM_000540.3 (MANE Select); coding-DNA position 13060, G replaced by A.
Protein change: p.Ala4354Thr; replaces alanine 4354 with threonine.
Molecular consequence: missense variant.
Genome position (GRCh38, 1-based): chr19:38,565,394, G>A. VCF-style: chr19-38565394-G-A. GRCh37 (hg19) VCF-style: chr19-39056034-G-A.
Other names: c.13045G>A, p.Ala4349Thr (NM_001042723.2); short protein forms A4349T, A4354T.
Identifiers: ClinVar variation 971939 (VCV000971939.9), dbSNP rs1214553487, ClinGen allele CA405673279.